The following is an entry in ClinVar:

NM_000465.4(BARD1):c.249T>A (p.Cys83Ter)

Gene: BARD1 (BRCA1 associated RING domain 1; minus strand). Cytogenetic location: 2q35.
Variant type: single nucleotide variant.
Coding change: c.249T>A on transcript NM_000465.4 (MANE Select); coding-DNA position 249, T replaced by A.
Protein change: p.Cys83Ter; replaces cysteine 83 with a stop codon.
Molecular consequence: nonsense. On other transcripts: non-coding transcript variant (1), intron variant (2).
Genome position (GRCh38, 1-based): chr2:214,792,412, A>T on the plus strand (T>A on the coding strand, the complement: BARD1 is on the minus strand). VCF-style: chr2-214792412-A-T. GRCh37 (hg19) VCF-style: chr2-215657136-A-T.
Other names: c.192T>A, p.Cys64Ter (NM_001282543.2); c.249T>A, p.Cys83Ter (NM_001282549.2); c.158+17000T>A (NM_001282548.2); c.215+4649T>A (NM_001282545.2); short protein forms C64*, C83*.
Identifiers: ClinVar variation 2029802 (VCV002029802.6), dbSNP rs1574839902, ClinGen allele CA350461222.

ClinVar aggregate classification (germline): Pathogenic. Review status: criteria provided, multiple submitters, no conflicts (2 of 4 stars). 2 submissions from 2 submitters: Pathogenic (2). Last evaluated 2023-05-18.

Conditions:
Familial cancer of breast. Also called: hereditary breast carcinoma; BREAST CANCER, FAMILIAL; Hereditary breast cancer. Identifiers: Orphanet 227535, MedGen C0346153, MONDO:0016419, OMIM 114480. Disease mechanism: loss of function.

Submissions (2):

Myriad Genetics, Inc.
Classification: Pathogenic for Familial cancer of breast. Last evaluated: 2023-05-18. Review status: criteria provided, single submitter. Criteria: Myriad Autosomal Dominant, Autosomal Recessive and X-Linked Classification Criteria (2023). Collection method: clinical testing. Allele origin: unknown.
Comment: This variant is considered pathogenic. This variant creates a termination codon and is predicted to result in premature protein truncation.

Labcorp Genetics (formerly Invitae), Labcorp
Classification: Pathogenic for Familial cancer of breast. Last evaluated: 2022-09-10. Review status: criteria provided, single submitter. Criteria: Invitae Variant Classification Sherloc (09022015). Collection method: clinical testing. Allele origin: germline.
Comment: This variant is not present in population databases (gnomAD no frequency). For these reasons, this variant has been classified as Pathogenic. This variant has not been reported in the literature in individuals affected with BARD1-related conditions. This sequence change creates a premature translational stop signal (p.Cys83*) in the BARD1 gene. It is expected to result in an absent or disrupted protein product. Loss-of-function variants in BARD1 are known to be pathogenic (PMID: 20077502, 21344236).

Literature cited by the submitters: PubMed 20077502 (cited by Labcorp Genetics (formerly Invitae), Labcorp); PubMed 21344236 (cited by Labcorp Genetics (formerly Invitae), Labcorp).